The following is an entry in ClinVar:

NM_000051.4(ATM):c.7089+1G>T

Genes: ATM (ATM serine/threonine kinase; plus strand), C11orf65 (chromosome 11 open reading frame 65; minus strand). Cytogenetic location: 11q22.3.
Variant type: single nucleotide variant.
Coding change: c.7089+1G>T on transcript NM_000051.4 (MANE Select); the canonical splice donor site of the intron after coding-DNA position 7089, G replaced by T.
Molecular consequence: splice donor variant. On other transcripts: intron variant (2).
Genome position (GRCh38, 1-based): chr11:108,327,759, G>T. VCF-style: chr11-108327759-G-T. GRCh37 (hg19) VCF-style: chr11-108198486-G-T.
Other names: c.7089+1G>T (NM_001351834.2); c.641-18688C>A (NM_001330368.2); c.*38+7461C>A (NM_001351110.2).
Identifiers: ClinVar variation 403715 (VCV000403715.6), dbSNP rs777741666, ClinGen allele CA16609836.

ClinVar aggregate classification (germline): Pathogenic. Review status: criteria provided, single submitter (1 of 4 stars). 2 submissions from 2 submitters: Pathogenic (1). 1 of the submissions does not count toward it. Last evaluated 2026-07-15.

Conditions:
Familial cancer of breast. Also called: Hereditary breast cancer; BREAST CANCER, FAMILIAL; hereditary breast carcinoma. Identifiers: Orphanet 227535, MedGen C0346153, MONDO:0016419, OMIM 114480. Disease mechanism: loss of function.

Submissions (2):

Myriad Genetics, Inc.
Classification: Pathogenic for Familial cancer of breast. Last evaluated: 2026-07-15. Review status: criteria provided, single submitter. Criteria: Myriad Autosomal Dominant, Autosomal Recessive and X-Linked Classification Criteria (2023). Collection method: clinical testing. Allele origin: unknown.
Comment: This variant is considered pathogenic. This variant occurs within a consensus splice junction and is predicted to result in abnormal mRNA splicing of either an out-of-frame exon or an in-frame exon necessary for protein stability and/or normal function. This variant has been reported in an individual with clinical features of gene-specific disease [PMID: 41715124]. mRNA analysis has demonstrated abnormal mRNA splicing occurs [PMID: 41715124].

MVZ Praenatalmedizin und Genetik Nuernberg
Classification: Likely pathogenic for Familial cancer of breast. Last evaluated: 2017-03-01. Review status: no assertion criteria provided. Collection method: clinical testing. Allele origin: unknown. Inheritance: Autosomal dominant inheritance. Affected: yes. Observed: 1 variant allele, 1 heterozygote. Not counted in ClinVar's aggregate classification.
Comment: (1) rare/private variant (2) highly conserved splice-donor-site (3) multiple in silico analyses with pathogenic consent (4) relevant domains downstream of variant

Literature cited by the submitters: PubMed 41715124 (cited by Myriad Genetics, Inc.).